The following is an entry in ClinVar:

ClinVar aggregate classification (germline): Pathogenic/Likely pathogenic. Review status: criteria provided, multiple submitters, no conflicts (2 of 4 stars). 9 submissions from 9 submitters: Pathogenic (8); Likely pathogenic (1). Last evaluated 2026-03-01.

Conditions:
Hereditary factor VIII deficiency disease (HEMA). Also called: AUTOSOMAL HEMOPHILIA A; Hemophilia A; Hemophilia A, congenital; HEM A; Factor 8 deficiency, congenital; HEMOPHILIA, CLASSIC. Identifiers: Orphanet 98878, MedGen C0019069, MONDO:0010602, OMIM 306700.
F8-related disorder. Also called: F8-related condition.

Allele frequency attached by ClinVar (database versions not stated): ExAC 0.00001; gnomAD exomes 0.00001.
gnomAD v4.1: 2 of 1,210,706 alleles (0.00017%); highest among the groups gnomAD compares: Admixed American, 0.0044%; no homozygotes.

Submissions (9):

CeGaT Center for Human Genetics Tuebingen
Classification: Pathogenic. Last evaluated: 2026-03-01. Review status: criteria provided, single submitter. Criteria: CeGaT Center For Human Genetics Tuebingen Variant Classification Criteria Version 2. Collection method: clinical testing. Allele origin: germline. Affected: yes. Observed: 1 variant allele.
Comment: F8: PS4, PM2, PS2:Moderate, PP3, PS3:Supporting

PreventionGenetics, part of Exact Sciences
Classification: Pathogenic for F8-related condition. Last evaluated: 2025-10-09. Review status: criteria provided, single submitter. Criteria: ACMG Guidelines, 2015. Collection method: clinical testing. Allele origin: germline.
Comment: The F8 c.1569G>T variant is not predicted to result in an amino acid change (p.=). This variant has been reported to result in an altered mRNA transcript and to be causative for mild to moderate hemophilia A in several patients (see for example Tavassoli et al. 1998. PubMed ID: 9792405; Economou et al. 1992. PubMed ID: 1639429). This variant is reported in 0.0073% of alleles in individuals of Latino descent in gnomAD. This variant is interpreted as pathogenic.

ARUP Laboratories, Molecular Genetics and Genomics, ARUP Laboratories
Classification: Pathogenic. Last evaluated: 2025-06-23. Review status: criteria provided, single submitter. Criteria: ARUP Molecular Germline Variant Investigation Process 2024. Collection method: clinical testing. Allele origin: germline.
Comment: The F8 c.1569G>T; p.Leu523= variant (rs782733685), also known as Leu504=, is described in the medical literature in several individuals with mild hemophilia (Bogdanova 2007, Diamond 1992, El-Maarri 2005, Green 2008, Tavassoli 1998, Tuddenham 1991, Vidal 2001). This variant is reported in ClinVar (Variation ID: 439678), and is only observed on two alleles in the Genome Aggregation Database, indicating it is not a common polymorphism. This is a synonymous variant in a weakly conserved nucleotide, but computational analyses (Alamut v.2.11) predict that this variant may impact splicing by creating a novel cryptic acceptor splice site. Functional studies show that this variant results in altered mRNA splicing that deletes 36 nucleotides from exon 11, leaving the rest of the protein in frame (El-Maarri 2005, Tavassoli 1998). Based on available information, the p.Leu523= variant is considered to be pathogenic. References: Bogdanova N et al. Spectrum of molecular defects and mutation detection rate in patients with mild and moderate hemophilia A. Hum Mutat. 2007 Jan;28(1):54-60. Diamond C et al. Amino acid substitutions in conserved domains of factor VIII and related proteins: study of patients with mild and moderately severe hemophilia A. Hum Mutat. 1992 1(3):248-57. El-Maarri O et al. Analysis of mRNA in hemophilia A patients with undetectable mutations reveals normal splicing in the factor VIII gene. J Thromb Haemost. 2005 Feb;3(2):332-9. Green PM et al. Haemophilia A mutations in the UK: results of screening one-third of the population. Br J Haematol. 2008 Oct;143(1):115-28. Tavassoli K et al. Identification of four novel mutations in the factor VIII gene: three missense mutations (E1875G, G2088S, I2185T) and a 2-bp deletion (1780delTC). Hum Mutat. 1998 Suppl 1:S260-2. Tuddenham EG et al. Haemophilia A: database of nucleotide substitutions, deletions, insertions and rearrangements of the factor VIII gene. Nucleic Acids Res. 1991 19(18):4821-33. Vidal F et al. Rapid hemophilia A molecular diagnosis by a simple DNA sequencing procedure: identification of 14 novel mutations. Thromb Haemost. 2001 Apr;85(4):580-3.

Variantyx, Inc.
Classification: Likely pathogenic for Hereditary factor VIII deficiency disease. Last evaluated: 2025-04-15. Review status: criteria provided, single submitter. Criteria: Variantyx Assertion Criteria 2022. Collection method: clinical testing. Allele origin: maternal. Inheritance: X-linked recessive inheritance.
Comment: This is a synonymous variant in the F8 gene (OMIM: 300841). Pathogenic variants in this gene have been associated with X-linked hemophilia A. This variant has been reported as de novo in an individual reported in the published literature; however, the possibility of parental germline mosaicism cannot be fully excluded (PMID: 31877800) (PS2). This variant has been reported in at least three unrelated affected individuals (PMID: 1639429, 9792405, 31877800) (PS4_Moderate), and has a 0.0057% maximum allele frequency in non-founder control populations (PM2). Algorithms that predict the potential impact of sequence variants on RNA splicing suggest that this variant may disrupt normal splicing (PP3). Based on the current evidence, this variant is classified as likely pathogenic for X-linked hemophilia A.

Mayo Clinic Laboratories, Mayo Clinic
Classification: Pathogenic. Last evaluated: 2024-11-26. Review status: criteria provided, single submitter. Criteria: ACMG Guidelines, 2015. Collection method: clinical testing. Allele origin: germline. Observed: 5 variant alleles.
Comment: PP3, PM2_supporting, PM3, PS2, PS3, PS4_moderate

Women's Health and Genetics/Laboratory Corporation of America, LabCorp
Classification: Pathogenic for Hereditary factor VIII deficiency disease. Last evaluated: 2024-09-23. Review status: criteria provided, single submitter. Criteria: LabCorp Variant Classification Summary - May 2015. Collection method: clinical testing. Allele origin: germline.
Comment: Variant summary: F8 c.1569G>T alters a non-conserved nucleotide resulting in a synonymous change. Computational tools predict a significant impact on normal splicing: Two predict the variant strengthens a cryptic 3' acceptor site. One predict the variant no significant impact on splicing. At least one publication reports experimental evidence that this variant affects mRNA splicing (Tavassoli_1998). The variant allele was found at a frequency of 1.1e-05 in 183163 control chromosomes (gnomAD). c.1569G>T has been reported in the literature in multiple individuals affected with Factor VIII Deficiency (Hemophilia A; e.g. Economou_1992, Tavassoli_1998, Miller_2012). These data indicate that the variant is very likely to be associated with disease. The following publications have been ascertained in the context of this evaluation (PMID: 1639429, 9792405, 22103590). ClinVar contains an entry for this variant (Variation ID: 439678). Based on the evidence outlined above, the variant was classified as pathogenic.

GeneDx
Classification: Pathogenic. Last evaluated: 2024-01-26. Review status: criteria provided, single submitter. Criteria: GeneDx Variant Classification Process June 2021. Collection method: clinical testing. Allele origin: germline. Affected: yes.
Comment: Observed in hemizygous state in multiple unrelated patients with hemophilia in published literature and tested at GeneDx, and not observed in hemizygous state in controls (PMID: 1639429, 11341489, 16972227, 20331761, 31877800, 30690819); Published functional studies demonstrate a damaging effect on splicing (PMID: 9792405, 30690819); In silico analysis supports a deleterious effect on splicing; This variant is associated with the following publications: (PMID: 15670040, 33314404, 30690819, 9792405, 1301932, 18387975, 35770352, 11341489, 16972227, 18691168, 29296726, 28488976, 23088352, 33805278, 20331761, 27824209, 31877800, 1639429)

3billion
Classification: Pathogenic for Hereditary factor VIII deficiency disease. Last evaluated: 2023-09-25. Review status: criteria provided, single submitter. Criteria: ACMG Guidelines, 2015. Collection method: clinical testing. Allele origin: germline. Affected: yes.
Comment: The variant is observed at an extremely low frequency in the gnomAD v2.1.1 dataset (total allele frequency: 0.001%). Predicted Consequence/Location: Synonymous variant predicted to create a novel cryptic acceptor splice site, resulting in a shortened protein in frame. In silico tools predict the variant to alter splicing and produce an abnormal transcript [SpliceAI: 0.83 (>=0.2, moderate evidence for spliceogenicity)]. The variant has been observed in multiple (>3) similarly affected unrelated individuals (PMID: 1301932, 15670040, 16972227, 1923751). The variant has been reported at least twice as pathogenic with clinical assertions and evidence for the classification (ClinVar ID: VCV000439678 /PMID: 1301932, 15670040, 1639429, 16972227, 1923751 /3billion dataset). Therefore, this variant is classified as Pathogenic according to the recommendation of ACMG/AMP guideline.

Baylor Genetics
Classification: Pathogenic for Hereditary factor VIII deficiency disease. Last evaluated: 2022-07-20. Review status: criteria provided, single submitter. Criteria: ACMG Guidelines, 2015. Collection method: clinical testing. Allele origin: unknown.

Literature cited by the submitters: PubMed 31877800 (cited by Variantyx, Inc.); PubMed 1639429 (cited by Variantyx, Inc. and Women's Health and Genetics/Laboratory Corporation of America, LabCorp); PubMed 9792405 (cited by Variantyx, Inc. and Women's Health and Genetics/Laboratory Corporation of America, LabCorp); PubMed 28488976 (cited by Mayo Clinic Laboratories, Mayo Clinic); PubMed 30690819 (cited by Mayo Clinic Laboratories, Mayo Clinic); PubMed 22103590 (cited by Women's Health and Genetics/Laboratory Corporation of America, LabCorp); PubMed 1923751 (cited by 3billion); PubMed 16972227 (cited by 3billion); PubMed 15670040 (cited by 3billion); PubMed 1301932 (cited by 3billion).

NM_000132.4(F8):c.1569G>T (p.Leu523=)

Gene: F8 (coagulation factor VIII; minus strand). Cytogenetic location: Xq28.
Variant type: single nucleotide variant.
Coding change: c.1569G>T on transcript NM_000132.4 (MANE Select); coding-DNA position 1569, G replaced by T.
Protein change: p.Leu523=; no amino-acid change (leucine 523 retained).
Molecular consequence: synonymous variant.
Genome position (GRCh38, 1-based): chrX:154,957,140, C>A on the plus strand (G>T on the coding strand, the complement: F8 is on the minus strand). VCF-style: chrX-154957140-C-A. GRCh37 (hg19) VCF-style: chrX-154185415-C-A.
Other names: p.Leu523=.
Identifiers: ClinVar variation 439678 (VCV000439678.33), dbSNP rs782733685, ClinGen allele CA10568430.
Genomic context (GRCh38, chrX:154,957,140, plus strand): 5'-TGATTTAGTTGGCCCATCTTCTACAGTCACTGTCCATTTATATTTGAATATTTCTCCTGG[C>A]AGAATTGGAAAATCCTTCAAATGTTTTACACCTACCCACAAGCAAAACCATAAATAGCTC-3'
Protein context (NP_000123.1, residues 513-533): GVKHLKDFPI[Leu523=]PGEIFKYKWT